The following is an entry in ClinVar:

ClinVar aggregate classification (germline): Uncertain significance (1 of 4 stars; one submission).

Submission:

Labcorp Genetics (formerly Invitae), Labcorp
Classification: Uncertain significance. Last evaluated: 2025-03-03. Review status: criteria provided, single submitter. Criteria: Invitae Variant Classification Sherloc (09022015). Collection method: clinical testing. Allele origin: germline.
Comment: This sequence change replaces leucine, which is neutral and non-polar, with arginine, which is basic and polar, at codon 16 of the LRP6 protein (p.Leu16Arg). This variant is not present in population databases (gnomAD no frequency). This variant has not been reported in the literature in individuals affected with LRP6-related conditions. An algorithm developed to predict the effect of missense changes on protein structure and function (PolyPhen-2) suggests that this variant is likely to be tolerated. In summary, the available evidence is currently insufficient to determine the role of this variant in disease. Therefore, it has been classified as a Variant of Uncertain Significance.

NM_002336.3(LRP6):c.47T>G (p.Leu16Arg)

Gene: LRP6 (LDL receptor related protein 6; minus strand). Cytogenetic location: 12p13.2.
Variant type: single nucleotide variant.
Coding change: c.47T>G on transcript NM_002336.3 (MANE Select); coding-DNA position 47, T replaced by G.
Protein change: p.Leu16Arg; replaces leucine 16 with arginine.
Molecular consequence: missense variant. On other transcripts: 5 prime UTR variant (2), non-coding transcript variant (1), intron variant (1).
Genome position (GRCh38, 1-based): chr12:12,266,689, A>C on the plus strand (T>G on the coding strand, the complement: LRP6 is on the minus strand). VCF-style: chr12-12266689-A-C. GRCh37 (hg19) VCF-style: chr12-12419623-A-C.
Other names: c.47T>G, p.Leu16Arg (NM_001414244.1, NM_001414245.1, NM_001414246.1 and 6 more transcripts); c.-13T>G (NM_001414252.1); c.-403T>G (NM_001414254.1); c.-399+75T>G (NM_001414253.1); short protein forms L16R.
Identifiers: ClinVar variation 4714243 (VCV004714243.1).